The following is an entry in ClinVar:

ClinVar aggregate classification (germline): Benign/Likely benign. Review status: criteria provided, multiple submitters, no conflicts (2 of 4 stars). 6 submissions from 6 submitters: Benign (1); Likely benign (5). Last evaluated 2026-02-02.

Conditions:
Hereditary cancer-predisposing syndrome. Also called: Neoplastic Syndromes, Hereditary; Tumor predisposition; Hereditary Cancer Syndrome; Hereditary neoplastic syndrome. Identifiers: Orphanet 140162, MedGen C0027672, MeSH D009386, MONDO:0015356.
Multiple endocrine neoplasia type 2A. Also called: MULTIPLE ENDOCRINE NEOPLASIA, TYPE IIA; PTC SYNDROME; SIPPLE SYNDROME; MEN 2A; MEN-2A syndrome; Pheochromocytoma and amyloid producing medullary thyroid carcinoma. Identifiers: Orphanet 247698, Orphanet 653, MedGen C0025268, MeSH D018813, MONDO:0008234, OMIM 171400.
Multiple endocrine neoplasia, type 2 (MEN2). Identifiers: Orphanet 653, MedGen C4048306, MONDO:0019003. Disease mechanism: gain of function.

Allele frequency attached by ClinVar (database versions not stated): gnomAD exomes 0.00001.
gnomAD v4.1: 9 of 1,611,790 alleles (0.00056%); highest among the groups gnomAD compares: South Asian, 0.0022%; no homozygotes.

Submissions (6):

Labcorp Genetics (formerly Invitae), Labcorp
Classification: Likely benign for Multiple endocrine neoplasia, type 2. Last evaluated: 2026-02-02. Review status: criteria provided, single submitter. Criteria: Invitae Variant Classification Sherloc (09022015). Collection method: clinical testing. Allele origin: germline.

Color Diagnostics, LLC DBA Color Health
Classification: Likely benign for Multiple endocrine neoplasia, type 2. Last evaluated: 2025-10-27. Review status: criteria provided, single submitter. Criteria: ACMG Guidelines, 2015. Collection method: clinical testing. Allele origin: germline.

Center for Genomic Medicine, Rigshospitalet, Copenhagen University Hospital
Classification: Likely benign. Last evaluated: 2025-03-04. Review status: criteria provided, single submitter. Criteria: ACMG Guidelines, 2015. Collection method: clinical testing. Allele origin: germline.

Myriad Genetics, Inc.
Classification: Benign for Multiple endocrine neoplasia type 2A. Last evaluated: 2025-02-27. Review status: criteria provided, single submitter. Criteria: Myriad Autosomal Dominant, Autosomal Recessive and X-Linked Classification Criteria (2023). Collection method: clinical testing. Allele origin: unknown.
Comment: This variant is considered benign. This variant is a silent/synonymous amino acid change and it is not expected to impact splicing.

Blueprint Genetics
Classification: Likely benign. Last evaluated: 2023-10-27. Review status: criteria provided, single submitter. Criteria: ACMG Guidelines, 2015. Collection method: clinical testing. Allele origin: germline.

Ambry Genetics
Classification: Likely benign for Hereditary cancer-predisposing syndrome. Last evaluated: 2018-12-06. Review status: criteria provided, single submitter. Criteria: Ambry Variant Classification Scheme 2023. Collection method: clinical testing. Allele origin: germline.

NM_020975.6(RET):c.2451C>T (p.Arg817=)

Gene: RET (ret proto-oncogene; plus strand). Cytogenetic location: 10q11.21.
Variant type: single nucleotide variant.
Coding change: c.2451C>T on transcript NM_020975.6 (MANE Select); coding-DNA position 2451, C replaced by T.
Protein change: p.Arg817=; no amino-acid change (arginine 817 retained).
Molecular consequence: synonymous variant.
Genome position (GRCh38, 1-based): chr10:43,119,589, C>T. VCF-style: chr10-43119589-C-T. GRCh37 (hg19) VCF-style: chr10-43615037-C-T.
Other names: c.2322C>T, p.Arg774= (NM_001406764.1, NM_001406761.1, NM_001406762.1); c.2316C>T, p.Arg772= (NM_001406765.1, NM_001406763.1); c.2163C>T, p.Arg721= (NM_001406766.1, NM_001406767.1, NM_001406770.1); c.2187C>T, p.Arg729= (NM_001406768.1); c.2055C>T, p.Arg685= (NM_001406769.1, NM_001406772.1); c.2013C>T, p.Arg671= (NM_001406771.1, NM_001406773.1); c.1926C>T, p.Arg642= (NM_001406774.1); c.1725C>T, p.Arg575= (NM_001406775.1, NM_001406776.1, NM_001406777.1 and 1 more transcripts); and 10 more.
Identifiers: ClinVar variation 821301 (VCV000821301.18), dbSNP rs747894751, ClinGen allele CA039336.
Genomic context (GRCh38, chr10:43,119,589, plus strand): 5'-AGGCCCGCTCCTCCTCATCGTGGAGTACGCCAAATACGGCTCCCTGCGGGGCTTCCTCCG[C>T]GAGAGCCGCAAAGTGGGGCCTGGCTACCTGGGCAGTGGAGGCAGCCGCAACTCCAGCTCC-3'
Protein context (NP_066124.1, residues 807-827): AKYGSLRGFL[Arg817=]ESRKVGPGYL